The following is an entry in ClinVar:

NM_001372.4(DNAH9):c.13061C>T (p.Ser4354Leu)

Gene: DNAH9 (dynein axonemal heavy chain 9; plus strand). Cytogenetic location: 17p12.
Variant type: single nucleotide variant.
Coding change: c.13061C>T on transcript NM_001372.4 (MANE Select); coding-DNA position 13061, C replaced by T.
Protein change: p.Ser4354Leu; replaces serine 4354 with leucine.
Molecular consequence: missense variant.
Genome position (GRCh38, 1-based): chr17:11,962,084, C>T. VCF-style: chr17-11962084-C-T. GRCh37 (hg19) VCF-style: chr17-11865401-C-T.
Other names: c.1997C>T, p.Ser666Leu (NM_004662.2); short protein forms S4354L, S666L.
Identifiers: ClinVar variation 3345500 (VCV003345500.1).
Genomic context (GRCh38, chr17:11,962,084, plus strand): 5'-GGACGGGTGACTTTACAATGCCCTCCACTGTGTGGCTGACAGGCTTCTTCAACCCCCAGT[C>T]GTTCCTGACTGCCATCATGCAGTCCACGGCTCGCAAGAATGAGTGGCCACTGGACCAGAT-3'
Protein context (NP_001363.2, residues 4344-4364): VWLTGFFNPQ[Ser4354Leu]FLTAIMQSTA

ClinVar aggregate classification (germline): Uncertain significance (0 of 4 stars; one submission).

Conditions:
DNAH9-related disorder. Also called: DNAH9-related condition.

gnomAD v4.1: 6 of 1,614,046 alleles (0.00037%); highest among the groups gnomAD compares: Middle Eastern, 0.016%; no homozygotes.

Submission:

PreventionGenetics, part of Exact Sciences
Classification: Uncertain significance for DNAH9-related condition. Last evaluated: 2024-09-25. Review status: no assertion criteria provided. Collection method: clinical testing. Allele origin: germline.
Comment: The DNAH9 c.13061C>T variant is predicted to result in the amino acid substitution p.Ser4354Leu. To our knowledge, this variant has not been reported in the literature. This variant is reported in 0.0065% of alleles in individuals of South Asian descent in gnomAD. At this time, the clinical significance of this variant is uncertain due to the absence of conclusive functional and genetic evidence.